The following is an entry in ClinVar:

NM_005876.5(SPEG):c.4271+6C>T

Gene: SPEG (striated muscle enriched protein kinase; plus strand). Cytogenetic location: 2q35.
Variant type: single nucleotide variant.
Coding change: c.4271+6C>T on transcript NM_005876.5 (MANE Select); 6 bases into the intron after coding-DNA position 4271, C replaced by T.
Molecular consequence: intron variant.
Genome position (GRCh38, 1-based): chr2:219,473,633, C>T. VCF-style: chr2-219473633-C-T. GRCh37 (hg19) VCF-style: chr2-220338355-C-T.
Identifiers: ClinVar variation 2013821 (VCV002013821.4), dbSNP rs1423663986, ClinGen allele CA2580065814.
Genomic context (GRCh38, chr2:219,473,633, plus strand): 5'-CTGCCAGCGTCACCGTCACATTCAACCATGTGGAGGCCCAGGTCGTCTGGAGGAGGTGGG[C>T]CCCTTTCCCACATGTGGCAGCCCAGGTCTGGCCCAGCCTGGCCGGAATGCCCTGGGGCAA-3'

ClinVar aggregate classification (germline): Uncertain significance (1 of 4 stars; one submission).

Submission:

Labcorp Genetics (formerly Invitae), Labcorp
Classification: Uncertain significance. Last evaluated: 2022-07-03. Review status: criteria provided, single submitter. Criteria: Invitae Variant Classification Sherloc (09022015). Collection method: clinical testing. Allele origin: germline.
Comment: In summary, the available evidence is currently insufficient to determine the role of this variant in disease. Therefore, it has been classified as a Variant of Uncertain Significance. Variants that disrupt the consensus splice site are a relatively common cause of aberrant splicing (PMID: 17576681, 9536098). Algorithms developed to predict the effect of sequence changes on RNA splicing suggest that this variant is not likely to affect RNA splicing. This variant has not been reported in the literature in individuals affected with SPEG-related conditions. This variant is not present in population databases (gnomAD no frequency). This sequence change falls in intron 17 of the SPEG gene. It does not directly change the encoded amino acid sequence of the SPEG protein. It affects a nucleotide within the consensus splice site.

Literature cited by the submitters: PubMed 17576681; PubMed 9536098.